The following is an entry in ClinVar:

ClinVar aggregate classification (germline): Conflicting classifications of pathogenicity. Review status: criteria provided, conflicting classifications (1 of 4 stars). 2 submissions from 2 submitters: Uncertain significance (1); Likely benign (1). Last evaluated 2026-07-01.

Conditions:
Inborn genetic diseases. Identifiers: MedGen C0950123, MeSH D030342.

Allele frequency attached by ClinVar (database versions not stated): TOPMed 0.00002; ExAC 0.00005.
gnomAD v4.1: 14 of 1,614,140 alleles (0.00087%); highest among the groups gnomAD compares: Admixed American, 0.022%; no homozygotes.

Submissions (2):

CeGaT Center for Human Genetics Tuebingen
Classification: Likely benign. Last evaluated: 2026-07-01. Review status: criteria provided, single submitter. Criteria: CeGaT Center For Human Genetics Tuebingen Variant Classification Criteria Version 2. Collection method: clinical testing. Allele origin: germline. Affected: yes. Observed: 2 variant alleles.
Comment: DDX23: BP4

Ambry Genetics
Classification: Uncertain significance for Inborn genetic diseases. Last evaluated: 2021-07-15. Review status: criteria provided, single submitter. Criteria: Ambry Variant Classification Scheme 2023. Collection method: clinical testing. Allele origin: germline.

NM_004818.3(DDX23):c.416C>G (p.Ala139Gly)

Gene: DDX23 (DEAD-box helicase 23; minus strand). Cytogenetic location: 12q13.12.
Variant type: single nucleotide variant.
Coding change: c.416C>G on transcript NM_004818.3 (MANE Select); coding-DNA position 416, C replaced by G.
Protein change: p.Ala139Gly; replaces alanine 139 with glycine.
Molecular consequence: missense variant.
Genome position (GRCh38, 1-based): chr12:48,839,908, G>C on the plus strand (C>G on the coding strand, the complement: DDX23 is on the minus strand). VCF-style: chr12-48839908-G-C. GRCh37 (hg19) VCF-style: chr12-49233691-G-C.
Other names: short protein forms A139G.
Identifiers: ClinVar variation 2374525 (VCV002374525.4), dbSNP rs772488272, ClinGen allele CA6542664.